The following is an entry in ClinVar:

ClinVar aggregate classification (germline): Uncertain significance. Review status: criteria provided, multiple submitters, no conflicts (2 of 4 stars). 3 submissions from 3 submitters: Uncertain significance (3). Last evaluated 2025-10-03.

Conditions:
Hereditary cancer-predisposing syndrome. Also called: Tumor predisposition; Neoplastic Syndromes, Hereditary; Hereditary Cancer Syndrome; Hereditary neoplastic syndrome. Identifiers: Orphanet 140162, MedGen C0027672, MeSH D009386, MONDO:0015356.
Ataxia-telangiectasia syndrome (AT). Also called: ATAXIA-TELANGIECTASIA, COMPLEMENTATION GROUP A; ATAXIA-TELANGIECTASIA, FRESNO VARIANT; Ataxia-telangiectasia; Ataxia-telangiectasia, complementation group D; AT, COMPLEMENTATION GROUP C; Ataxia-telangiectasia, complementation group E. Identifiers: Orphanet 100, MedGen C0004135, MONDO:0008840, OMIM 208900.

Submissions (3):

Ambry Genetics
Classification: Uncertain significance for Hereditary cancer-predisposing syndrome. Last evaluated: 2025-10-03. Review status: criteria provided, single submitter. Criteria: Ambry Variant Classification Scheme 2023. Collection method: clinical testing. Allele origin: germline.
Comment: The p.A1950T variant (also known as c.5848G>A), located in coding exon 38 of the ATM gene, results from a G to A substitution at nucleotide position 5848. The alanine at codon 1950 is replaced by threonine, an amino acid with similar properties. In an assay testing ATM function, this variant showed a functionally normal result (Lee KS et al. Cell, 2025 Sep;188:5081-5099.e27). This amino acid position is highly conserved in available vertebrate species. In addition, this alteration is predicted to be deleterious by in silico analysis. Based on the available evidence, the clinical significance of this variant remains unclear.

Labcorp Genetics (formerly Invitae), Labcorp
Classification: Uncertain significance for Ataxia-telangiectasia syndrome. Last evaluated: 2024-06-10. Review status: criteria provided, single submitter. Criteria: Invitae Variant Classification Sherloc (09022015). Collection method: clinical testing. Allele origin: germline.
Comment: This sequence change replaces alanine, which is neutral and non-polar, with threonine, which is neutral and polar, at codon 1950 of the ATM protein (p.Ala1950Thr). This variant is not present in population databases (gnomAD no frequency). This variant has not been reported in the literature in individuals affected with ATM-related conditions. ClinVar contains an entry for this variant (Variation ID: 826006). An algorithm developed to predict the effect of missense changes on protein structure and function (PolyPhen-2) suggests that this variant is likely to be disruptive. In summary, the available evidence is currently insufficient to determine the role of this variant in disease. Therefore, it has been classified as a Variant of Uncertain Significance.

Color Diagnostics, LLC DBA Color Health
Classification: Uncertain significance for Hereditary cancer-predisposing syndrome. Last evaluated: 2023-12-05. Review status: criteria provided, single submitter. Criteria: ACMG Guidelines, 2015. Collection method: clinical testing. Allele origin: germline.
Comment: This missense variant replaces alanine with threonine at codon 1950 of the ATM protein. Computational prediction tools and conservation analyses suggest that this variant may have deleterious impact on the protein function. Computational splicing tools suggest that this variant may not impact RNA splicing. To our knowledge, functional assays have not been performed for this variant nor has this variant been reported in individuals affected with hereditary cancer in the literature. This variant has not been identified in the general population by the Genome Aggregation Database (gnomAD). Available evidence is insufficient to determine the role of this variant in disease conclusively. Therefore, this variant is classified as a Variant of Uncertain Significance.

Literature cited by the submitters: PubMed 40580951 (cited by Ambry Genetics).

NM_000051.4(ATM):c.5848G>A (p.Ala1950Thr)

Genes: ATM (ATM serine/threonine kinase; plus strand), C11orf65 (chromosome 11 open reading frame 65; minus strand). Cytogenetic location: 11q22.3.
Variant type: single nucleotide variant.
Coding change: c.5848G>A on transcript NM_000051.4 (MANE Select); coding-DNA position 5848, G replaced by A.
Protein change: p.Ala1950Thr; replaces alanine 1950 with threonine.
Molecular consequence: missense variant. On other transcripts: intron variant (2).
Genome position (GRCh38, 1-based): chr11:108,310,245, G>A. VCF-style: chr11-108310245-G-A. GRCh37 (hg19) VCF-style: chr11-108180972-G-A.
Other names: c.5848G>A, p.Ala1950Thr (NM_001351834.2); c.641-1174C>T (NM_001330368.2); c.*39-1174C>T (NM_001351110.2); short protein forms A1950T.
Identifiers: ClinVar variation 826006 (VCV000826006.53), dbSNP rs1591746066, ClinGen allele CA382548454.